The following is an entry in ClinVar:

ClinVar aggregate classification (germline): Likely benign (1 of 4 stars; one submission).

Allele frequency attached by ClinVar (database versions not stated): 1000 Genomes Project 30x 0.00016; gnomAD 0.00021 and 0.00024; TOPMed 0.00037.
gnomAD v4.1: 35 of 152,322 alleles (0.023%); highest among the groups gnomAD compares: Middle Eastern, 0.68%; no homozygotes.

Submission:

CeGaT Center for Human Genetics Tuebingen
Classification: Likely benign. Last evaluated: 2026-07-01. Review status: criteria provided, single submitter. Criteria: CeGaT Center For Human Genetics Tuebingen Variant Classification Criteria Version 2. Collection method: clinical testing. Allele origin: germline. Affected: yes. Observed: 7 variant alleles.
Comment: RET: BS1

NM_020975.6(RET):c.2137-794T>C

Gene: RET (ret proto-oncogene; plus strand). Cytogenetic location: 10q11.21.
Variant type: single nucleotide variant.
Coding change: c.2137-794T>C on transcript NM_020975.6 (MANE Select); 794 bases into the intron before coding-DNA position 2137, T replaced by C.
Molecular consequence: intron variant.
Genome position (GRCh38, 1-based): chr10:43,115,790, T>C. VCF-style: chr10-43115790-T-C. GRCh37 (hg19) VCF-style: chr10-43611238-T-C.
Other names: c.1411-794T>C (NM_001406776.1, NM_001406777.1, NM_001406778.1 and 1 more transcripts); c.952-794T>C (NM_001406790.1, NM_001406788.1, NM_001406789.1); c.832-794T>C (NM_001406791.1); c.1147-794T>C (NM_001406784.1); c.688-794T>C (NM_001406794.1, NM_001406792.1, NM_001406793.1); c.1375-794T>C (NM_001355216.2); c.2137-794T>C (NM_020630.7, NM_001406743.1, NM_001406744.1 and 2 more transcripts); c.2002-794T>C (NM_001406765.1, NM_001406763.1); and 10 more.
Identifiers: ClinVar variation 1675416 (VCV001675416.35), dbSNP rs780700885, ClinGen allele CA206263371.